The following is an entry in ClinVar:

NM_030665.4(RAI1):c.5456C>T (p.Ala1819Val)

Gene: RAI1 (retinoic acid induced 1; plus strand). Cytogenetic location: 17p11.2.
Variant type: single nucleotide variant.
Coding change: c.5456C>T on transcript NM_030665.4 (MANE Select); coding-DNA position 5456, C replaced by T.
Protein change: p.Ala1819Val; replaces alanine 1819 with valine.
Molecular consequence: missense variant.
Genome position (GRCh38, 1-based): chr17:17,798,404, C>T. VCF-style: chr17-17798404-C-T. GRCh37 (hg19) VCF-style: chr17-17701718-C-T.
Other names: short protein forms A1819V.
Identifiers: ClinVar variation 3666450 (VCV003666450.2).
Genomic context (GRCh38, chr17:17,798,404, plus strand): 5'-CCGACAAGGGTCGCAAACATGAGTGCAGCAAGGAGGCTCCGGCAGAGCCCGGCGGGGAGG[C>T]CCAGGAGCACTGGGTGCATGAGGCCTGTGCCGTGTGGACCGGCGGCGTCTACCTGGTGGC-3'
Protein context (NP_109590.3, residues 1809-1829): KEAPAEPGGE[Ala1819Val]QEHWVHEACA

ClinVar aggregate classification (germline): Uncertain significance (1 of 4 stars; one submission).

Submission:

Labcorp Genetics (formerly Invitae), Labcorp
Classification: Uncertain significance. Last evaluated: 2024-12-16. Review status: criteria provided, single submitter. Criteria: Invitae Variant Classification Sherloc (09022015). Collection method: clinical testing. Allele origin: germline.
Comment: This sequence change replaces alanine, which is neutral and non-polar, with valine, which is neutral and non-polar, at codon 1819 of the RAI1 protein (p.Ala1819Val). This variant is not present in population databases (gnomAD no frequency). This variant has not been reported in the literature in individuals affected with RAI1-related conditions. Invitae Evidence Modeling of protein sequence and biophysical properties (such as structural, functional, and spatial information, amino acid conservation, physicochemical variation, residue mobility, and thermodynamic stability) indicates that this missense variant is not expected to disrupt RAI1 protein function with a negative predictive value of 80%. In summary, the available evidence is currently insufficient to determine the role of this variant in disease. Therefore, it has been classified as a Variant of Uncertain Significance.